The following is an entry in ClinVar:

ClinVar aggregate classification (germline): Uncertain significance (1 of 4 stars; one submission).

Conditions:
Spastic paraplegia. Identifiers: MedGen C0037772, HP:0001258.

Allele frequency attached by ClinVar (database versions not stated): TOPMed 0.00001; gnomAD 0.00001.
gnomAD v4.1: 1 of 1,614,104 alleles (0.000062%); highest among the groups gnomAD compares: Non-Finnish European, 0.000085%; no homozygotes.

Submission:

Labcorp Genetics (formerly Invitae), Labcorp
Classification: Uncertain significance for Spastic paraplegia. Last evaluated: 2022-08-23. Review status: criteria provided, single submitter. Criteria: Invitae Variant Classification Sherloc (09022015). Collection method: clinical testing. Allele origin: germline.
Comment: This sequence change replaces glutamine, which is neutral and polar, with arginine, which is basic and polar, at codon 1385 of the ZFYVE26 protein (p.Gln1385Arg). This variant is not present in population databases (gnomAD no frequency). This variant has not been reported in the literature in individuals affected with ZFYVE26-related conditions. ClinVar contains an entry for this variant (Variation ID: 659091). Algorithms developed to predict the effect of missense changes on protein structure and function (SIFT, PolyPhen-2, Align-GVGD) all suggest that this variant is likely to be tolerated. In summary, the available evidence is currently insufficient to determine the role of this variant in disease. Therefore, it has been classified as a Variant of Uncertain Significance.

NM_015346.4(ZFYVE26):c.4154A>G (p.Gln1385Arg)

Gene: ZFYVE26 (zinc finger FYVE-type containing 26; minus strand). Cytogenetic location: 14q24.1.
Variant type: single nucleotide variant.
Coding change: c.4154A>G on transcript NM_015346.4 (MANE Select); coding-DNA position 4154, A replaced by G.
Protein change: p.Gln1385Arg; replaces glutamine 1385 with arginine.
Molecular consequence: missense variant.
Genome position (GRCh38, 1-based): chr14:67,782,998, T>C on the plus strand (A>G on the coding strand, the complement: ZFYVE26 is on the minus strand). VCF-style: chr14-67782998-T-C. GRCh37 (hg19) VCF-style: chr14-68249715-T-C.
Other names: short protein forms Q1385R.
Identifiers: ClinVar variation 659091 (VCV000659091.6), dbSNP rs1346418518, ClinGen allele CA390170730.